The following is an entry in ClinVar:

ClinVar aggregate classification (germline): Uncertain significance (1 of 4 stars; one submission).

Conditions:
Neurofibromatosis, type 1 (NF1). Also called: Peripheral type neurofibromatosis; VON RECKLINGHAUSEN DISEASE; NEUROFIBROMATOSIS, TYPE I, SOMATIC; Neurofibromatosis, type I. Identifiers: Orphanet 636, MedGen C0027831, MONDO:0018975, OMIM 162200. Disease mechanism: loss of function.

Submission:

Labcorp Genetics (formerly Invitae), Labcorp
Classification: Uncertain significance for Neurofibromatosis, type 1. Last evaluated: 2024-01-28. Review status: criteria provided, single submitter. Criteria: Invitae Variant Classification Sherloc (09022015). Collection method: clinical testing. Allele origin: germline.
Comment: This sequence change replaces lysine, which is basic and polar, with asparagine, which is neutral and polar, at codon 200 of the NF1 protein (p.Lys200Asn). This variant is not present in population databases (gnomAD no frequency). This variant has not been reported in the literature in individuals affected with NF1-related conditions. Advanced modeling of protein sequence and biophysical properties (such as structural, functional, and spatial information, amino acid conservation, physicochemical variation, residue mobility, and thermodynamic stability) performed at Invitae indicates that this missense variant is expected to disrupt NF1 protein function with a positive predictive value of 95%. In summary, the available evidence is currently insufficient to determine the role of this variant in disease. Therefore, it has been classified as a Variant of Uncertain Significance.

NM_001042492.3(NF1):c.600A>C (p.Lys200Asn)

Gene: NF1 (neurofibromin 1; plus strand). Cytogenetic location: 17q11.2.
Variant type: single nucleotide variant.
Coding change: c.600A>C on transcript NM_001042492.3 (MANE Select); coding-DNA position 600, A replaced by C.
Protein change: p.Lys200Asn; replaces lysine 200 with asparagine.
Molecular consequence: missense variant.
Genome position (GRCh38, 1-based): chr17:31,181,435, A>C. VCF-style: chr17-31181435-A-C. GRCh37 (hg19) VCF-style: chr17-29508453-A-C.
Other names: c.600A>C, p.Lys200Asn (NM_000267.4, NM_001128147.3); short protein forms K200N.
Identifiers: ClinVar variation 2712208 (VCV002712208.3), dbSNP rs2143774046, ClinGen allele CA398989250.